The following is an entry in ClinVar:

NM_000094.4(COL7A1):c.4322dup (p.Gly1442fs)

Gene: COL7A1 (collagen type VII alpha 1 chain; minus strand). Cytogenetic location: 3p21.31.
Variant type: Duplication.
Coding change: c.4322dup on transcript NM_000094.4 (MANE Select); coding-DNA position 4322, one base duplicated (C; older notation c.4322dupC).
Protein change: p.Gly1442fs; shifts the reading frame from glycine 1442.
Molecular consequence: frameshift variant.
Genome position (GRCh38, 1-based): chr3:48,583,737, G duplicated on the plus strand (C on the coding strand, the reverse complement: COL7A1 is on the minus strand); the first of 6 consecutive G bases (chr3:48,583,737-48,583,742); duplicating any one gives the same sequence. VCF-style (leftmost placement, unchanged base first): chr3-48583736-A-AG. GRCh37 (hg19) VCF-style: chr3-48621169-A-AG.
Other names: short protein forms G1442fs.
Identifiers: ClinVar variation 5013619 (VCV005013619.1).
Genomic context (GRCh38, chr3:48,583,736, plus strand): 5'-TCCCACCCCAGAACTGGGACATCATCAAGTCAGCCTTCCTACTTTTTCTCCTTTCTTTCC[A>AG]GGGGGGCCAACGGGGCCTTGGGGTCCAGGGCTTCCGGGAAGACCCTAGGAAGAAGTGAGT-3'

ClinVar aggregate classification (germline): Pathogenic (1 of 4 stars; one submission).

Conditions:
Recessive dystrophic epidermolysis bullosa (RDEB). Also called: DYSTROPHIC EPIDERMOLYSIS BULLOSA, AUTOSOMAL RECESSIVE; EPIDERMOLYSIS BULLOSA DYSTROPHICA, HALLOPEAU-SIEMENS TYPE; Hallopeau-Siemens Disease; severe generalized recessive dystrophic epidermolysis bullosa; EPIDERMOLYSIS BULLOSA DYSTROPHICA, GENERALIZED SEVERE, AUTOSOMAL RECESSIVE; Epidermolysis Bullosa Distrophica Autosomal Recessive (RDEB). Identifiers: Orphanet 79408, Orphanet 79409, MedGen C0079474, MONDO:0009179, OMIM 226600.

Submission:

Myriad Genetics, Inc.
Classification: Pathogenic for Recessive dystrophic epidermolysis bullosa. Last evaluated: 2024-10-06. Review status: criteria provided, single submitter. Criteria: Myriad Autosomal Dominant, Autosomal Recessive and X-Linked Classification Criteria (2023). Collection method: clinical testing. Allele origin: unknown.
Comment: NM_000094.3(COL7A1):c.4322dupC(G1442Wfs*8) is expected to be pathogenic in the context of dystrophic epidermolysis bullosa. This variant is predicted to lead to an abnormal or absent protein product due to the creation of a premature termination codon in COL7A1, a gene where loss-of-function variants are known to be pathogenic. Please note: this variant was assessed in the context of healthy population screening.